The following is an entry in ClinVar:

ClinVar aggregate classification (germline): Uncertain significance. Review status: criteria provided, multiple submitters, no conflicts (2 of 4 stars). 2 submissions from 2 submitters: Uncertain significance (2). Last evaluated 2026-05-11.

Conditions:
SEMA3D-related disorder. Also called: SEMA3D-related condition.

Allele frequency attached by ClinVar (database versions not stated): ExAC 0.00003; TOPMed 0.00012; gnomAD 0.00015; ESP Exome Variant Server 0.00023.
gnomAD v4.1: 39 of 1,612,398 alleles (0.0024%); highest among the groups gnomAD compares: African/African-American, 0.044%; no homozygotes.

Submissions (2):

PreventionGenetics, part of Exact Sciences
Classification: Uncertain significance for SEMA3D-related condition. Last evaluated: 2026-05-11. Review status: criteria provided, single submitter. Criteria: ACMG Guidelines, 2015. Collection method: clinical testing. Allele origin: germline.
Comment: The SEMA3D c.953C>G variant is predicted to result in the amino acid substitution p.Ala318Gly. To our knowledge, this variant has not been reported in the literature. This variant is reported in 0.036% of alleles in individuals of African descent in gnomAD. At this time, the clinical significance of this variant is uncertain due to the absence of conclusive functional and genetic evidence.

Ambry Genetics
Classification: Uncertain significance. Last evaluated: 2025-08-05. Review status: criteria provided, single submitter. Criteria: Ambry Variant Classification Scheme 2023. Collection method: clinical testing. Allele origin: germline.

NM_001384900.1(SEMA3D):c.953C>G (p.Ala318Gly)

Gene: SEMA3D (semaphorin 3D; minus strand). Cytogenetic location: 7q21.11.
Variant type: single nucleotide variant.
Coding change: c.953C>G on transcript NM_001384900.1 (MANE Select); coding-DNA position 953, C replaced by G.
Protein change: p.Ala318Gly; replaces alanine 318 with glycine.
Molecular consequence: missense variant.
Genome position (GRCh38, 1-based): chr7:85,042,194, G>C on the plus strand (C>G on the coding strand, the complement: SEMA3D is on the minus strand). VCF-style: chr7-85042194-G-C. GRCh37 (hg19) VCF-style: chr7-84671510-G-C.
Other names: c.953C>G, p.Ala318Gly (NM_001384901.1, NM_001384902.1, NM_001384903.1 and 1 more transcripts); short protein forms A318G.
Identifiers: ClinVar variation 2463998 (VCV002463998.6), dbSNP rs138659238, ClinGen allele CA4323580.